The following is an entry in ClinVar:

ClinVar aggregate classification (germline): Benign/Likely benign. Review status: criteria provided, multiple submitters, no conflicts (2 of 4 stars). 6 submissions from 6 submitters: Benign (2); Likely benign (4). Last evaluated 2026-02-03.

Conditions:
Dilated cardiomyopathy 1O (CMD1O). Also called: CARDIOMYOPATHY, DILATED, WITH VENTRICULAR TACHYCARDIA. Identifiers: Orphanet 154, MedGen C1837839, MONDO:0012062, OMIM 608569.
Hypertrichotic osteochondrodysplasia Cantu type. Also called: Cantú Syndrome; Cantu Syndrome. Identifiers: Orphanet 1517, MedGen C0795905, MONDO:0009406, OMIM 239850.
Atrial fibrillation, familial, 12 (ATFB12). Identifiers: MedGen C3279695, MONDO:0013545, OMIM 614050.
Intellectual disability and myopathy syndrome (IDMYS). Identifiers: MedGen C5676904, MONDO:0859224, OMIM 619719.

Allele frequency attached by ClinVar (database versions not stated): TOPMed 0.00010; gnomAD exomes 0.00017 and 0.00020; ExAC 0.00019; gnomAD 0.00022 and 0.00023; ESP Exome Variant Server 0.00023.
gnomAD v4.1: 275 of 1,605,308 alleles (0.017%); highest among the groups gnomAD compares: Non-Finnish European, 0.022%; 2 homozygotes.

Submissions (6):

Labcorp Genetics (formerly Invitae), Labcorp
Classification: Likely benign for Dilated cardiomyopathy 1O. Last evaluated: 2026-02-03. Review status: criteria provided, single submitter. Criteria: Invitae Variant Classification Sherloc (09022015). Collection method: clinical testing. Allele origin: germline.

ARUP Laboratories, Molecular Genetics and Genomics, ARUP Laboratories
Classification: Likely benign. Last evaluated: 2025-02-07. Review status: criteria provided, single submitter. Criteria: ARUP Molecular Germline Variant Investigation Process 2024. Collection method: clinical testing. Allele origin: germline.

Blueprint Genetics
Classification: Likely benign. Last evaluated: 2024-11-26. Review status: criteria provided, single submitter. Criteria: ACMG Guidelines, 2015. Collection method: clinical testing. Allele origin: germline.

Women's Health and Genetics/Laboratory Corporation of America, LabCorp
Classification: Benign. Last evaluated: 2024-11-11. Review status: criteria provided, single submitter. Criteria: LabCorp Variant Classification Summary - May 2015. Collection method: clinical testing. Allele origin: germline.

Fulgent Genetics
Classification: Likely benign for Hypertrichotic osteochondrodysplasia Cantu type; Dilated cardiomyopathy 1O; Atrial fibrillation, familial, 12; Intellectual disability and myopathy syndrome. Last evaluated: 2021-08-11. Review status: criteria provided, single submitter. Criteria: ACMG Guidelines, 2015. Collection method: clinical testing. Allele origin: unknown.

GeneDx
Classification: Benign. Last evaluated: 2017-04-10. Review status: criteria provided, single submitter. Criteria: GeneDx Variant Classification (06012015). Collection method: clinical testing. Allele origin: germline. Affected: yes.
Comment: This variant is considered likely benign or benign based on one or more of the following criteria: it is a conservative change, it occurs at a poorly conserved position in the protein, it is predicted to be benign by multiple in silico algorithms, and/or has population frequency not consistent with disease.

NM_020297.4(ABCC9):c.3315+17C>T

Gene: ABCC9 (ATP binding cassette subfamily C member 9; minus strand). Cytogenetic location: 12p12.1.
Variant type: single nucleotide variant.
Coding change: c.3315+17C>T on transcript NM_020297.4 (MANE Select); 17 bases into the intron after coding-DNA position 3315, C replaced by T.
Molecular consequence: intron variant.
Genome position (GRCh38, 1-based): chr12:21,844,466, G>A on the plus strand (C>T on the coding strand, the complement: ABCC9 is on the minus strand). VCF-style: chr12-21844466-G-A. GRCh37 (hg19) VCF-style: chr12-21997400-G-A.
Other names: c.2448+17C>T (NM_001377274.1); c.3315+17C>T (NM_005691.4, NM_001377273.1).
Identifiers: ClinVar variation 516448 (VCV000516448.13), dbSNP rs200692327, ClinGen allele CA6481134.